The following is an entry in ClinVar:

ClinVar aggregate classification (germline): Likely benign (1 of 4 stars; one submission).

Conditions:
Prostate cancer, hereditary, 9 (HPC9). Identifiers: Orphanet 1331, MedGen C1970250, MONDO:0012597, OMIM 610997.

Submission:

Myriad Genetics, Inc.
Classification: Likely benign for Prostate cancer, hereditary, 9. Last evaluated: 2024-10-30. Review status: criteria provided, single submitter. Criteria: Myriad Autosomal Dominant, Autosomal Recessive and X-Linked Classification Criteria (2023). Collection method: clinical testing. Allele origin: unknown.
Comment: This variant is considered likely benign. This variant is intronic and is not expected to impact mRNA splicing.

NM_006361.6(HOXB13):c.602-8C>T

Gene: HOXB13 (homeobox B13; minus strand). Cytogenetic location: 17q21.32.
Variant type: single nucleotide variant.
Coding change: c.602-8C>T on transcript NM_006361.6 (MANE Select); 8 bases into the intron before coding-DNA position 602, C replaced by T.
Molecular consequence: intron variant.
Genome position (GRCh38, 1-based): chr17:48,727,051, G>A on the plus strand (C>T on the coding strand, the complement: HOXB13 is on the minus strand). VCF-style: chr17-48727051-G-A. GRCh37 (hg19) VCF-style: chr17-46804413-G-A.
Identifiers: ClinVar variation 3772957 (VCV003772957.1).
Genomic context (GRCh38, chr17:48,727,051, plus strand): 5'-CTTGCGGCCGCGACGAAAGGCGCAGGCGTCAGGAGGGTGCTGCCCGCTGGAGTCTGCGCG[G>A]CGTGAAAGGGAGGGAGGAAAAGGCATGGTCAGATACCCACCCATGCAGACCCAGGCCTTG-3'